The following is an entry in ClinVar:

NM_001370595.2(COA8):c.80C>T (p.Ala27Val)

Gene: COA8 (cytochrome c oxidase assembly factor 8; plus strand). Cytogenetic location: 14q32.33.
Variant type: single nucleotide variant.
Coding change: c.80C>T on transcript NM_001370595.2 (MANE Select); coding-DNA position 80, C replaced by T.
Protein change: p.Ala27Val; replaces alanine 27 with valine.
Molecular consequence: missense variant. On other transcripts: non-coding transcript variant (2).
Genome position (GRCh38, 1-based): chr14:103,563,081, C>T. VCF-style: chr14-103563081-C-T. GRCh37 (hg19) VCF-style: chr14-104029418-C-T.
Other names: c.119C>T (NM_032374.3); c.80C>T, p.Ala27Val (NM_001302653.2, NM_001302654.2); short protein forms A27V.
Identifiers: ClinVar variation 2157191 (VCV002157191.5), dbSNP rs1047052171, ClinGen allele CA391111353.
Genomic context (GRCh38, chr14:103,563,081, plus strand): 5'-GGAAGAAGACCTTTCTCCCCCCTCTCTGCCGCGCCTTCGCCTGCCGCGGCTGTCAACTCG[C>T]TCCGGAGCGCGGCGCCGAGCGCAGGGATACGGCGCCCAGCGGGGTAAGCAGGGGCCTGGG-3'
Protein context (NP_001357524.1, residues 17-37): RAFACRGCQL[Ala27Val]PERGAERRDT

ClinVar aggregate classification (germline): Uncertain significance. Review status: criteria provided, multiple submitters, no conflicts (2 of 4 stars). 2 submissions from 2 submitters: Uncertain significance (2). Last evaluated 2024-01-29.

Conditions:
Inborn genetic diseases. Identifiers: MedGen C0950123, MeSH D030342.

gnomAD v4.1: 12 of 1,540,636 alleles (0.00078%); highest among the groups gnomAD compares: Admixed American, 0.0058%; no homozygotes.

Submissions (2):

Labcorp Genetics (formerly Invitae), Labcorp
Classification: Uncertain significance. Last evaluated: 2024-01-29. Review status: criteria provided, single submitter. Criteria: Invitae Variant Classification Sherloc (09022015). Collection method: clinical testing. Allele origin: germline.
Comment: This sequence change replaces alanine, which is neutral and non-polar, with valine, which is neutral and non-polar, at codon 40 of the APOPT1 protein (p.Ala40Val). The frequency data for this variant in the population databases is considered unreliable, as metrics indicate poor data quality at this position in the gnomAD database. This variant has not been reported in the literature in individuals affected with APOPT1-related conditions. ClinVar contains an entry for this variant (Variation ID: 2157191). An algorithm developed to predict the effect of missense changes on protein structure and function (PolyPhen-2) suggests that this variant is likely to be tolerated. In summary, the available evidence is currently insufficient to determine the role of this variant in disease. Therefore, it has been classified as a Variant of Uncertain Significance.

Ambry Genetics
Classification: Uncertain significance for Inborn genetic diseases. Last evaluated: 2021-07-13. Review status: criteria provided, single submitter. Criteria: Ambry Variant Classification Scheme 2023. Collection method: clinical testing. Allele origin: germline.